The following is an entry in ClinVar:

NM_004448.4(ERBB2):c.2329G>T (p.Val777Leu)

Gene: ERBB2 (erb-b2 receptor tyrosine kinase 2; plus strand). Cytogenetic location: 17q12.
Variant type: single nucleotide variant.
Coding change: c.2329G>T on transcript NM_004448.4 (MANE Select); coding-DNA position 2329, G replaced by T.
Protein change: p.Val777Leu; replaces valine 777 with leucine.
Molecular consequence: missense variant. On other transcripts: non-coding transcript variant (1), intron variant (2).
Genome position (GRCh38, 1-based): chr17:39,724,747, G>T. VCF-style: chr17-39724747-G-T. GRCh37 (hg19) VCF-style: chr17-37881000-G-T.
Other names: c.2239G>T, p.Val747Leu (NM_001005862.3, NM_001382782.1, NM_001382783.1); c.2284G>T, p.Val762Leu (NM_001289936.2); c.2329G>T, p.Val777Leu (NM_001289937.2, NM_001382796.1, NM_001382798.1); c.2446G>T, p.Val816Leu (NM_001382784.1); c.2431G>T, p.Val811Leu (NM_001382785.1); c.2410G>T, p.Val804Leu (NM_001382786.1); c.2404G>T, p.Val802Leu (NM_001382787.1); c.2359G>T, p.Val787Leu (NM_001382788.1); and 13 more; short protein forms V777L, V747L, V762L, V431L, V501L, V691L, V717L, V744L.
Identifiers: ClinVar variation 44991 (VCV000044991.8), dbSNP rs121913471, ClinGen allele CA135387.
Genomic context (GRCh38, chr17:39,724,747, plus strand): 5'-GTGGTCTCCCATACCCTCTCAGCGTACCCTTGTCCCCAGGAAGCATACGTGATGGCTGGT[G>T]TGGGCTCCCCATATGTCTCCCGCCTTCTGGGCATCTGCCTGACATCCACGGTGCAGCTGG-3'
Protein context (NP_004439.2, residues 767-787): ILDEAYVMAG[Val777Leu]GSPYVSRLLG

ClinVar aggregate classification (germline): Uncertain significance (1 of 4 stars; one submission).
ClinVar aggregate classification (somatic clinical impact): Tier II - Potential (0 of 4 stars; one submission).
ClinVar aggregate classification (oncogenicity): Oncogenic (1 of 4 stars; one submission).

Conditions:
Neurofibroma. Identifiers: Orphanet 252183, MedGen C0027830, MeSH D009455, MONDO:0016755, HP:0001067.
Neoplasm. Also called: Neoplasms; Neoplasm (disease); tumor. Identifiers: MedGen C0027651, MeSH D009369, MONDO:0005070, HP:0002664.

Submissions (3):

Center for Genomic Medicine, Rigshospitalet, Copenhagen University Hospital
Classification: Oncogenic for Neoplasm. Last evaluated: 2025-03-04. Review status: criteria provided, single submitter. Criteria: ClinGen/CGC/VICC Guidelines for Oncogenicity, 2022. Collection method: clinical testing. Allele origin: somatic. Affected: yes.

Laboratory for Molecular Medicine, Mass General Brigham Personalized Medicine
Classification: Uncertain significance. Last evaluated: 2010-08-17. Review status: criteria provided, single submitter. Criteria: LMM Criteria. Collection method: clinical testing. Allele origin: somatic. Observed: 1 variant allele.
Comment: Variant classified as Uncertain Significance - Favor Pathogenic. This variant ha s been observed as a somatic change in lung adenocarcinoma, gastric carcinoma, a nd adenocarcinoma of the rectum (Lee 2006, Bettitta 2006). Other amino acid chan ges (V777M, V777A) at this amino acid position have also been reported as somati c changes (COSMIC). In two individuals with colorecal cancer, a V777 mutation wa s coincidentally identified in a tumor with a G12D mutation in KRAS. The clinica l significance of this variant cannot be determined at this time.

NYU Undiagnosed Diseases Program, NYU School of Medicine
Classification: Tier II - Potential for Neurofibroma. Assertion type: diagnostic. Clinical significance: supports diagnosis. Last evaluated: 2025-02-06. Review status: no assertion criteria provided. Collection method: clinical testing. Allele origin: somatic. Affected: yes.
Comment: This classification is based on multiple lines of evidence, including the variant’s absence from the healthy population (gnomAD v4 database), functional studies demonstrating an activating and oncogenic effect on the HER2 protein, observations of this variant in the segmental nerve sheath tumors of other individuals, and detection of the variant in spatially distant neurofibroma samples from an affected individual.

Literature cited by the submitters: PubMed 29967253 (cited by Center for Genomic Medicine, Rigshospitalet, Copenhagen University Hospital and NYU Undiagnosed Diseases Program, NYU School of Medicine); PubMed 31588020 (cited by Center for Genomic Medicine, Rigshospitalet, Copenhagen University Hospital); PubMed 35503682 (cited by Center for Genomic Medicine, Rigshospitalet, Copenhagen University Hospital); PubMed 23220880 (cited by Center for Genomic Medicine, Rigshospitalet, Copenhagen University Hospital and NYU Undiagnosed Diseases Program, NYU School of Medicine); PubMed 30531871 (cited by Center for Genomic Medicine, Rigshospitalet, Copenhagen University Hospital); PubMed 16988931 (cited by Laboratory for Molecular Medicine, Mass General Brigham Personalized Medicine); PubMed 16397024 (cited by Laboratory for Molecular Medicine, Mass General Brigham Personalized Medicine); PubMed 32017710 (cited by NYU Undiagnosed Diseases Program, NYU School of Medicine); PubMed 31046123 (cited by NYU Undiagnosed Diseases Program, NYU School of Medicine); PubMed 22046346 (cited by NYU Undiagnosed Diseases Program, NYU School of Medicine); PubMed 26508629 (cited by NYU Undiagnosed Diseases Program, NYU School of Medicine); PubMed 25720673 (cited by NYU Undiagnosed Diseases Program, NYU School of Medicine).